The following is an entry in ClinVar:

ClinVar aggregate classification (germline): Pathogenic (1 of 4 stars; one submission).

Submission:

Labcorp Genetics (formerly Invitae), Labcorp
Classification: Pathogenic. Last evaluated: 2024-06-05. Review status: criteria provided, single submitter. Criteria: Invitae Variant Classification Sherloc (09022015). Collection method: clinical testing. Allele origin: germline.
Comment: This sequence change creates a premature translational stop signal (p.Gly710Argfs*4) in the LTBP4 gene. It is expected to result in an absent or disrupted protein product. Loss-of-function variants in LTBP4 are known to be pathogenic (PMID: 19836010, 22829427). This variant is not present in population databases (gnomAD no frequency). This variant has not been reported in the literature in individuals affected with LTBP4-related conditions. For these reasons, this variant has been classified as Pathogenic.

Literature cited by the submitters: PubMed 19836010; PubMed 22829427.

NM_001042545.2(LTBP4):c.2037_2050del (p.Gly680fs)

Gene: LTBP4 (latent transforming growth factor beta binding protein 4; plus strand). Cytogenetic location: 19q13.2.
Variant type: Deletion.
Coding change: c.2037_2050del on transcript NM_001042545.2 (MANE Select); coding-DNA positions 2037 to 2050, 14 bases deleted (CGGGGCCCCCTGCC).
Protein change: p.Gly680fs; shifts the reading frame from glycine 680.
Molecular consequence: frameshift variant.
Genome position (GRCh38, 1-based): chr19:40,611,378-40,611,391, CGGGGCCCCCTGCC deleted; deleting any 14 consecutive bases within chr19:40,611,375-40,611,391 gives the same sequence; the c. name uses the placement nearest the transcript's 3' end. VCF-style (leftmost placement, unchanged base first): chr19-40611374-GGCCCGGGGCCCCCT-G. GRCh37 (hg19) VCF-style: chr19-41117280-GGCCCGGGGCCCCCT-G.
Other names: c.2238_2251del, p.Gly747fs (NM_001042544.1); c.2127_2140del, p.Gly710fs (NM_003573.2); short protein forms G680fs, G710fs, G747fs.
Identifiers: ClinVar variation 3623504 (VCV003623504.2).